The following is an entry in ClinVar:

NM_183374.3(CYP26C1):c.845_851dup (p.Gln284fs)

Gene: CYP26C1 (cytochrome P450 family 26 subfamily C member 1; plus strand). Cytogenetic location: 10q23.33.
Variant type: Duplication.
Coding change: c.845_851dup on transcript NM_183374.3 (MANE Select); coding-DNA positions 845 to 851, 7 bases duplicated (CCATGCA; older notation c.845_851dupCCATGCA).
Protein change: p.Gln284fs; shifts the reading frame from glutamine 284.
Molecular consequence: frameshift variant.
Genome position (GRCh38, 1-based): chr10:93,064,520-93,064,526, CCATGCA duplicated. VCF-style (leftmost placement, unchanged base first): chr10-93064519-T-TCCATGCA. GRCh37 (hg19) VCF-style: chr10-94824276-T-TCCATGCA.
Other names: p.Gln284HisfsX129; c.845_851dupCCATGCA (NM_183374.2); short protein forms Q284fs.
Identifiers: ClinVar variation 496732 (VCV000496732.43), dbSNP rs565866662, ClinGen allele CA5605735.

ClinVar aggregate classification (germline): Conflicting classifications of pathogenicity. Review status: criteria provided, conflicting classifications (1 of 4 stars). 12 submissions from 12 submitters: Pathogenic (5); Likely pathogenic (2); Uncertain significance (2); Likely benign (2). 1 of the submissions does not count toward it. Last evaluated 2026-10-19.

Conditions:
Optic nerve hypoplasia. Identifiers: MedGen C0338502, HP:0000609.
Focal facial dermal dysplasia type IV. Also called: Focal facial dermal dysplasia 4. Identifiers: Orphanet 398166, Orphanet 398189, MedGen C3554246, MONDO:0013997, OMIM 614974.
CYP26C1-related disorder. Also called: CYP26C1-related condition.

Allele frequency attached by ClinVar (database versions not stated): 1000 Genomes Project 30x 0.00078; ESP Exome Variant Server 0.00152; 1000 Genomes Project 0.00080; gnomAD 0.00208 and 0.00212; gnomAD exomes 0.00211 and 0.00256; ExAC 0.00224; TOPMed 0.00141.

Submissions (12):

GeneDx
Classification: Pathogenic. Last evaluated: 2026-10-19. Review status: criteria provided, single submitter. Criteria: GeneDx Variant Classification Process June 2021. Collection method: clinical testing. Allele origin: germline.
Comment: Published functional studies demonstrate a damaging effect with this variant demonstrating 4% of enzyme activity as compared to wild-type (PMID: 23161670); Frameshift variant predicted to result in abnormal protein length as the last 239 amino acid(s) are replaced with 128 different amino acid(s) with an unclear effect on protein function; This variant is associated with the following publications: (PMID: 32040484, 34426522, 23161670, 29263414, 41683999, 39828664)

PreventionGenetics, part of Exact Sciences
Classification: Pathogenic for CYP26C1-related condition. Last evaluated: 2026-09-22. Review status: criteria provided, single submitter. Criteria: ACMG Guidelines, 2015. Collection method: clinical testing. Allele origin: germline.
Comment: The CYP26C1 c.845_851dup7 variant is predicted to result in a frameshift and premature protein termination (p.Gln284Hisfs*129). This variant was reported in the compound heterozygous or homozygous state in multiple individuals with focal facial dermal dysplasia IV (Slavotinek et al. 2013. PubMed ID: 23161670, described as c.844_851dupCCATGCA; Lee et al. 2018. PubMed ID: 29263414) and has been reported as a founder variant in the Belgian population (Beyens et al. 2025. PubMed ID: 39828664). This variant is reported in 0.70% of alleles in individuals of European (Finnish) descent in gnomAD. This variant has also been observed in the heterozygous state in an individual with optic nerve hypoplasia (Table 2, Dahl et al. 2020. PubMed ID: 32040484). An in vitro study suggests this variant results in loss of function (Lee et al. 2017. PubMed ID: 29263414). Frameshift variants in CYP26C1 are expected to be pathogenic. This variant is interpreted as pathogenic.

Clinical Genetics Laboratory, Region Ostergotland
Classification: Likely pathogenic for Focal facial dermal dysplasia type IV. Last evaluated: 2025-05-28. Review status: criteria provided, single submitter. Criteria: ACMG Guidelines, 2015. Collection method: clinical testing. Allele origin: germline. Affected: yes.
Comment: The variant is associated with the phenotype in patients carrying the variant in homozygous or compound heterozygous form (PMID:23161670;PMID: 29263414;PMID: 39828664). Published functional studies demonstrate a damaging effect (PMID: 23161670). The following ACMG/AMP criteria were applied in classifying this variant: PVS1_strong, PS3_supporting, BS2_supporting, PS4_moderate, PP4

3billion
Classification: Pathogenic for Focal facial dermal dysplasia type IV. Last evaluated: 2025-02-18. Review status: criteria provided, single submitter. Criteria: ACMG Guidelines, 2015. Collection method: clinical testing. Allele origin: germline. Affected: yes.
Comment: The variant is observed at an extremely low frequency in the gnomAD v4.1.0 dataset (total allele frequency: 0.248%). Predicted Consequence/Location: Frameshift: predicted to result in a loss or disruption of normal protein function through nonsense-mediated decay (NMD) or protein truncation. Multiple pathogenic variants are reported downstream of the variant. The variant has been reported to be associated with CYP26C1-related disorder (ClinVar ID: VCV000496732 /PMID: 23161670). Therefore, this variant is classified as Pathogenic according to the recommendation of ACMG/AMP guideline.

Blueprint Genetics
Classification: Pathogenic for CYP26C1-related disorders. Last evaluated: 2024-11-05. Review status: criteria provided, single submitter. Criteria: ACMG Guidelines, 2015. Collection method: clinical testing. Allele origin: germline. Affected: yes. Observed: 5 variant alleles.

CeGaT Center for Human Genetics Tuebingen
Classification: Pathogenic. Last evaluated: 2024-03-01. Review status: criteria provided, single submitter. Criteria: CeGaT Center For Human Genetics Tuebingen Variant Classification Criteria Version 2. Collection method: clinical testing. Allele origin: germline. Affected: yes. Observed: 2 variant alleles.
Comment: CYP26C1: PVS1, PM2, PM3, PP4

Fulgent Genetics
Classification: Uncertain significance for Focal facial dermal dysplasia type IV. Last evaluated: 2024-02-20. Review status: criteria provided, single submitter. Criteria: ACMG Guidelines, 2015. Collection method: clinical testing. Allele origin: germline.

Daryl Scott Lab, Baylor College of Medicine
Classification: Likely pathogenic for Focal facial dermal dysplasia type IV. Last evaluated: 2024-01-01. Review status: criteria provided, single submitter. Criteria: ACMG Guidelines, 2015. Collection method: clinical testing. Allele origin: maternal. Observed: 1 heterozygote.
Comment: PVS1, PS3, PS4, BS1

Labcorp Genetics (formerly Invitae), Labcorp
Classification: Likely benign. Last evaluated: 2019-12-31. Review status: criteria provided, single submitter. Criteria: Invitae Variant Classification Sherloc (09022015). Collection method: clinical testing. Allele origin: germline.

Laboratory for Molecular Medicine, Mass General Brigham Personalized Medicine
Classification: Uncertain significance. Last evaluated: 2018-11-20. Review status: criteria provided, single submitter. Criteria: LMM Criteria. Collection method: clinical testing. Allele origin: germline. Observed: 1 variant allele.
Comment: Variant classified as Uncertain Significance - Favor Pathogenic. The p.Gln284His fsX129 variant in CYP26C1 has been reported in 3 homozygous and 2 compound heter ozygous individuals with focal facial dermal dysplasia 4 (FFDD 4)and segregated with disease in 1 affected relative (Slavotinek 2013, Lee 2018). This variant is predicted to cause a frameshift, which alters the protein?s amino acid sequence beginning at position 284 and leads to a premature termination codon 129 amino acids downstream. This termination codon occurs within the terminal 50 bases of the second to last exon and is, therefore, likely to escape nonsense mediated de cay (NMD) and result in a truncated protein. This variant has also been identifi ed in 0.7% (177/25112) of Finnish and 0.3% (392/128808) of European chromosomes by gnomAD, which is higher than expected cons idering the rarity of FFDD 4. It has been speculated that this is due to incompl ete penetrance or under ascertainment (Slavotinek 2013); however, it is unclear at this time. In summary, while there is some suspicion for a pathogenic role, t he clinical significance of the p.Gln284HisfsX129 variant is uncertain due to co nflicting data. ACMG/AMP Criteria applied: PM3, PM4, BS1_Supporting.

Rare Disease Group, Clinical Genetics, Karolinska Institutet
Classification: Likely benign for Optic nerve hypoplasia. Review status: criteria provided, single submitter. Criteria: ACMG Guidelines, 2015. Collection method: research. Allele origin: unknown. Inheritance: Autosomal dominant inheritance. Affected: yes. Observed: 1 variant allele, 1 heterozygote.

OMIM
Classification: Pathogenic for FOCAL FACIAL DERMAL DYSPLASIA 4. Last evaluated: 2013-02-15. Review status: no assertion criteria provided. Collection method: literature only. Allele origin: germline. Not counted in ClinVar's aggregate classification.

Literature cited by the submitters: PubMed 23161670 (cited by 4 submitters); PubMed 29263414 (cited by Clinical Genetics Laboratory, Region Ostergotland and Laboratory for Molecular Medicine, Mass General Brigham Personalized Medicine); PubMed 39828664 (cited by Clinical Genetics Laboratory, Region Ostergotland); PubMed 16530710 (cited by OMIM).